The following is an entry in ClinVar:

ClinVar aggregate classification (germline): Uncertain significance (1 of 4 stars; one submission).

Conditions:
Treacher Collins syndrome 1 (TCS1). Also called: TCOF1-Related Treacher Collins Syndrome. Identifiers: Orphanet 861, MedGen CN315775, MONDO:0007944, OMIM 154500.

Allele frequency attached by ClinVar (database versions not stated): gnomAD exomes below 0.00001.

Submission:

Labcorp Genetics (formerly Invitae), Labcorp
Classification: Uncertain significance for Treacher Collins syndrome 1. Last evaluated: 2022-08-27. Review status: criteria provided, single submitter. Criteria: Invitae Variant Classification Sherloc (09022015). Collection method: clinical testing. Allele origin: germline.
Comment: Algorithms developed to predict the effect of missense changes on protein structure and function output the following: SIFT: "Tolerated"; PolyPhen-2: "Possibly Damaging"; Align-GVGD: "Class C0". The serine amino acid residue is found in multiple mammalian species, which suggests that this missense change does not adversely affect protein function. This sequence change replaces proline, which is neutral and non-polar, with serine, which is neutral and polar, at codon 1029 of the TCOF1 protein (p.Pro1029Ser). This variant is not present in population databases (gnomAD no frequency). This variant has not been reported in the literature in individuals affected with TCOF1-related conditions. In summary, the available evidence is currently insufficient to determine the role of this variant in disease. Therefore, it has been classified as a Variant of Uncertain Significance.

NM_001371623.1(TCOF1):c.3085C>T (p.Pro1029Ser)

Gene: TCOF1 (treacle ribosome biogenesis factor 1; plus strand). Cytogenetic location: 5q32.
Variant type: single nucleotide variant.
Coding change: c.3085C>T on transcript NM_001371623.1 (MANE Select); coding-DNA position 3085, C replaced by T.
Protein change: p.Pro1029Ser; replaces proline 1029 with serine.
Molecular consequence: missense variant.
Genome position (GRCh38, 1-based): chr5:150,389,925, C>T. VCF-style: chr5-150389925-C-T. GRCh37 (hg19) VCF-style: chr5-149769488-C-T.
Other names: c.2854C>T, p.Pro952Ser (NM_000356.4, NM_001135245.2); c.3085C>T, p.Pro1029Ser (NM_001135243.2, NM_001135244.2, NM_001195141.2); short protein forms P1029S, P952S.
Identifiers: ClinVar variation 1718093 (VCV001718093.6), dbSNP rs2534209978, ClinGen allele CA361732816.